The following is an entry in ClinVar:

NM_024854.5(PYROXD1):c.1268G>A (p.Gly423Glu)

Gene: PYROXD1 (pyridine nucleotide-disulphide oxidoreductase domain 1; plus strand). Cytogenetic location: 12p12.1.
Variant type: single nucleotide variant.
Coding change: c.1268G>A on transcript NM_024854.5 (MANE Select); coding-DNA position 1268, G replaced by A.
Protein change: p.Gly423Glu; replaces glycine 423 with glutamic acid.
Molecular consequence: missense variant.
Genome position (GRCh38, 1-based): chr12:21,468,519, G>A. VCF-style: chr12-21468519-G-A. GRCh37 (hg19) VCF-style: chr12-21621453-G-A.
Other names: c.1055G>A, p.Gly352Glu (NM_001350912.2); c.491G>A, p.Gly164Glu (NM_001350913.2); short protein forms G352E, G164E, G423E.
Identifiers: ClinVar variation 1438806 (VCV001438806.6), dbSNP rs1485788448, ClinGen allele CA384111953.
Genomic context (GRCh38, chr12:21,468,519, plus strand): 5'-TTTCTTTATGATACTCATGACAATAACCTTTTTATCTCTAAATATAGGTTGTACTGCTGG[G>A]AAAATACAATGCACAGGGCTTAGGTTCAGATCATGAATTAATGCTGAGATGTACCAAAGG-3'
Protein context (NP_079130.2, residues 413-433): KFFNYKVVLL[Gly423Glu]KYNAQGLGSD

ClinVar aggregate classification (germline): Uncertain significance (1 of 4 stars; one submission).

Allele frequency attached by ClinVar (database versions not stated): gnomAD exomes below 0.00001.
gnomAD v4.1: 1 of 1,612,054 alleles (0.000062%); no homozygotes.

Submission:

Labcorp Genetics (formerly Invitae), Labcorp
Classification: Uncertain significance. Last evaluated: 2021-10-21. Review status: criteria provided, single submitter. Criteria: Invitae Variant Classification Sherloc (09022015). Collection method: clinical testing. Allele origin: germline.
Comment: This sequence change replaces glycine with glutamic acid at codon 423 of the PYROXD1 protein (p.Gly423Glu). The glycine residue is highly conserved and there is a moderate physicochemical difference between glycine and glutamic acid. In summary, the available evidence is currently insufficient to determine the role of this variant in disease. Therefore, it has been classified as a Variant of Uncertain Significance. Algorithms developed to predict the effect of missense changes on protein structure and function are either unavailable or do not agree on the potential impact of this missense change (SIFT: "Deleterious"; PolyPhen-2: "Probably Damaging"; Align-GVGD: "Class C0"). This variant has not been reported in the literature in individuals affected with PYROXD1-related conditions. This variant is not present in population databases (ExAC no frequency).